The following is an entry in ClinVar:

NM_030777.4(SLC2A10):c.736G>A (p.Gly246Arg)

Gene: SLC2A10 (solute carrier family 2 member 10; plus strand). Cytogenetic location: 20q13.12.
Variant type: single nucleotide variant.
Coding change: c.736G>A on transcript NM_030777.4 (MANE Select); coding-DNA position 736, G replaced by A.
Protein change: p.Gly246Arg; replaces glycine 246 with arginine.
Molecular consequence: missense variant.
Genome position (GRCh38, 1-based): chr20:46,725,772, G>A. VCF-style: chr20-46725772-G-A. GRCh37 (hg19) VCF-style: chr20-45354411-G-A.
Other names: short protein forms G246R.
Identifiers: ClinVar variation 582552 (VCV000582552.10), dbSNP rs1568985955, ClinGen allele CA409267943.

ClinVar aggregate classification (germline): Conflicting classifications of pathogenicity. Review status: criteria provided, conflicting classifications (1 of 4 stars). 2 submissions from 2 submitters: Likely pathogenic (1); Uncertain significance (1). Last evaluated 2025-03-05.

Conditions:
Arterial tortuosity syndrome (ATORS). Identifiers: Orphanet 3342, MedGen C1859726, MONDO:0008818, OMIM 208050.

Allele frequency attached by ClinVar (database versions not stated): gnomAD exomes below 0.00001.
gnomAD v4.1: 2 of 1,614,214 alleles (0.00012%); highest among the groups gnomAD compares: Non-Finnish European, 0.00017%; no homozygotes.

Submissions (2):

Shaine Morris Lab, Baylor College of Medicine
Classification: Likely pathogenic for Arterial tortuosity syndrome. Last evaluated: 2025-03-05. Review status: criteria provided, single submitter. Criteria: ACMG Guidelines, 2015. Collection method: clinical testing. Allele origin: unknown. Inheritance: Autosomal recessive inheritance. Affected: yes. Observed: 1 homozygote.
Comment: We are submitting the c.736G>A variant in the SLC2A10 gene, located in exon 2, which results in the p.Gly246Arg amino acid substitution. This missense variant has not been previously described in the literature and is currently classified as a variant of uncertain significance (VUS) in ClinVar. Based on the clinical and molecular evidence in our study, we are submitting it as likely pathogenic. Supporting Evidence for Classification: PP3: Computational predictions strongly support a damaging effect of the p.Gly246Arg substitution. The REVEL score of 0.945 is highly suggestive of a deleterious impact on protein function. The presence of the variant in a homozygous state in an affected individual supports its pathogenicity. PM2: The variant is extremely rare in the general population, with a minor allele frequency (MAF) of 1.37E-06 in gnomAD. This rarity aligns with disease-causing variants in SLC2A10, suggesting it is not a benign polymorphism. PM5: A different missense variant affecting the same codon (p.Gly246Glu) has been previously reported as likely pathogenic/pathogenic in ClinVar and the literature. Conclusion: Based on strong computational, clinical, and genetic evidence, we classify the c.736G>A (p.Gly246Arg) variant in SLC2A10 as likely pathogenic.

Labcorp Genetics (formerly Invitae), Labcorp
Classification: Uncertain significance for Arterial tortuosity syndrome. Last evaluated: 2018-04-02. Review status: criteria provided, single submitter. Criteria: Invitae Variant Classification Sherloc (09022015). Collection method: clinical testing. Allele origin: germline.
Comment: This sequence change replaces glycine with arginine at codon 246 of the SLC2A10 protein (p.Gly246Arg). The glycine residue is highly conserved and there is a moderate physicochemical difference between glycine and arginine. This variant is not present in population databases (ExAC no frequency). This variant has not been reported in the literature in individuals with SLC2A10-related disease. Algorithms developed to predict the effect of missense changes on protein structure and function (SIFT, PolyPhen-2, Align-GVGD) all suggest that this variant is likely to be disruptive, but these predictions have not been confirmed by published functional studies and their clinical significance is uncertain. In summary, the available evidence is currently insufficient to determine the role of this variant in disease. Therefore, it has been classified as a Variant of Uncertain Significance. A different missense substitution at this codon (p.Gly246Glu) has been reported as homozygous in an individual affected with arterial tortuosity syndrome (PMID: 17935213).

Literature cited by the submitters: PubMed 29323665 (cited by Shaine Morris Lab, Baylor College of Medicine); PubMed 17935213 (cited by Labcorp Genetics (formerly Invitae), Labcorp).